The following is an entry in ClinVar:

NM_144687.4(NLRP12):c.631C>A (p.Arg211Ser)

Gene: NLRP12 (NLR family pyrin domain containing 12; minus strand). Cytogenetic location: 19q13.42.
Variant type: single nucleotide variant.
Coding change: c.631C>A on transcript NM_144687.4 (MANE Select); coding-DNA position 631, C replaced by A.
Protein change: p.Arg211Ser; replaces arginine 211 with serine.
Molecular consequence: missense variant.
Genome position (GRCh38, 1-based): chr19:53,811,028, G>T on the plus strand (C>A on the coding strand, the complement: NLRP12 is on the minus strand). VCF-style: chr19-53811028-G-T. GRCh37 (hg19) VCF-style: chr19-54314282-G-T.
Other names: c.631C>A, p.Arg211Ser (NM_001277126.2, NM_001277129.1); short protein forms R211S.
Identifiers: ClinVar variation 1470056 (VCV001470056.9), dbSNP rs561178624, ClinGen allele CA407416228.

ClinVar aggregate classification (germline): Uncertain significance. Review status: criteria provided, multiple submitters, no conflicts (2 of 4 stars). 2 submissions from 2 submitters: Uncertain significance (2). Last evaluated 2021-04-13.

Conditions:
Familial cold autoinflammatory syndrome 2 (FCAS2). Identifiers: Orphanet 247868, MedGen C2673198, MONDO:0012724, OMIM 611762.

gnomAD v4.1: 1 of 1,613,138 alleles (0.000062%); highest among the groups gnomAD compares: Non-Finnish European, 0.000085%; no homozygotes.

Submissions (2):

Labcorp Genetics (formerly Invitae), Labcorp
Classification: Uncertain significance for Familial cold autoinflammatory syndrome 2. Last evaluated: 2021-04-13. Review status: criteria provided, single submitter. Criteria: Invitae Variant Classification Sherloc (09022015). Collection method: clinical testing. Allele origin: germline.
Comment: This variant is not present in population databases (ExAC no frequency). In summary, the available evidence is currently insufficient to determine the role of this variant in disease. Therefore, it has been classified as a Variant of Uncertain Significance. Algorithms developed to predict the effect of missense changes on protein structure and function are either unavailable or do not agree on the potential impact of this missense change (SIFT: "Tolerated"; PolyPhen-2: "Possibly Damaging"; Align-GVGD: "Class C0"). This variant has not been reported in the literature in individuals with NLRP12-related conditions. This sequence change replaces arginine with serine at codon 211 of the NLRP12 protein (p.Arg211Ser). The arginine residue is moderately conserved and there is a moderate physicochemical difference between arginine and serine.

Breakthrough Genomics
Classification: Uncertain significance. Review status: criteria provided, single submitter. Criteria: ACMG Guidelines, 2015. Collection method: not provided. Allele origin: germline. Inheritance: Autosomal dominant inheritance. Affected: yes.